The following is an entry in ClinVar:

NM_000218.3(KCNQ1):c.947G>C (p.Gly316Ala)

Gene: KCNQ1 (potassium voltage-gated channel subfamily Q member 1; plus strand). Cytogenetic location: 11p15.5.
Variant type: single nucleotide variant.
Coding change: c.947G>C on transcript NM_000218.3 (MANE Select); coding-DNA position 947, G replaced by C.
Protein change: p.Gly316Ala; replaces glycine 316 with alanine.
Molecular consequence: missense variant.
Genome position (GRCh38, 1-based): chr11:2,583,460, G>C. VCF-style: chr11-2583460-G-C. GRCh37 (hg19) VCF-style: chr11-2604690-G-C.
Other names: c.947G>C, p.Gly316Ala (NM_001406836.1); c.677G>C, p.Gly226Ala (NM_001406837.1); c.503G>C, p.Gly168Ala (NM_001406838.1); c.566G>C, p.Gly189Ala (NM_181798.2); short protein forms G226A, G168A, G189A, G316A.
Identifiers: ClinVar variation 2130527 (VCV002130527.4), dbSNP rs199472749, ClinGen allele CA379132983.

ClinVar aggregate classification (germline): Likely pathogenic (1 of 4 stars; one submission).

Conditions:
Long QT syndrome (LQTS). Identifiers: MedGen C0023976, MeSH D008133, MONDO:0002442. Disease mechanism: loss of function. Inheritance: Various modes of inheritance.

Submission:

Labcorp Genetics (formerly Invitae), Labcorp
Classification: Likely pathogenic for Long QT syndrome. Last evaluated: 2023-03-10. Review status: criteria provided, single submitter. Criteria: Invitae Variant Classification Sherloc (09022015). Collection method: clinical testing. Allele origin: germline.
Comment: This sequence change replaces glycine, which is neutral and non-polar, with alanine, which is neutral and non-polar, at codon 316 of the KCNQ1 protein (p.Gly316Ala). This variant is not present in population databases (gnomAD no frequency). This variant has not been reported in the literature in individuals affected with KCNQ1-related conditions. ClinVar contains an entry for this variant (Variation ID: 2130527). Advanced modeling of protein sequence and biophysical properties (such as structural, functional, and spatial information, amino acid conservation, physicochemical variation, residue mobility, and thermodynamic stability) performed at Invitae indicates that this missense variant is expected to disrupt KCNQ1 protein function. This variant disrupts the p.Gly316 amino acid residue in KCNQ1. Other variant(s) that disrupt this residue have been determined to be pathogenic (PMID: 19808498, 20981542). This suggests that this residue is clinically significant, and that variants that disrupt this residue are likely to be disease-causing. In summary, the currently available evidence indicates that the variant is pathogenic, but additional data are needed to prove that conclusively. Therefore, this variant has been classified as Likely Pathogenic.

Literature cited by the submitters: PubMed 19808498; PubMed 20981542.